The following is an entry in ClinVar:

ClinVar aggregate classification (germline): Uncertain significance (1 of 4 stars; one submission).

Conditions:
ABCB11-related disorder. Also called: ABCB11-related condition.

Submission:

PreventionGenetics, part of Exact Sciences
Classification: Uncertain significance for ABCB11-related condition. Last evaluated: 2023-04-14. Review status: criteria provided, single submitter. Criteria: ACMG Guidelines, 2015. Collection method: clinical testing. Allele origin: germline.
Comment: The ABCB11 c.1495G>T variant is predicted to result in the amino acid substitution p.Gly499Trp. To our knowledge, this variant has not been reported in the literature or in a large population database, indicating this variant is rare. At this time, the clinical significance of this variant is uncertain due to the absence of conclusive functional and genetic evidence.

NM_003742.4(ABCB11):c.1495G>T (p.Gly499Trp)

Gene: ABCB11 (ATP binding cassette subfamily B member 11; minus strand). Cytogenetic location: 2q31.1.
Variant type: single nucleotide variant.
Coding change: c.1495G>T on transcript NM_003742.4 (MANE Select); coding-DNA position 1495, G replaced by T.
Protein change: p.Gly499Trp; replaces glycine 499 with tryptophan.
Molecular consequence: missense variant.
Genome position (GRCh38, 1-based): chr2:168,971,990, C>A on the plus strand (G>T on the coding strand, the complement: ABCB11 is on the minus strand). VCF-style: chr2-168971990-C-A. GRCh37 (hg19) VCF-style: chr2-169828500-C-A.
Other names: short protein forms G499W.
Identifiers: ClinVar variation 2633879 (VCV002633879.1), dbSNP rs2545389583, ClinGen allele CA349115931.